The following is an entry in ClinVar:

NM_000388.4(CASR):c.1313T>C (p.Leu438Ser)

Gene: CASR (calcium sensing receptor; plus strand). Cytogenetic location: 3q21.1.
Variant type: single nucleotide variant.
Coding change: c.1313T>C on transcript NM_000388.4 (MANE Select); coding-DNA position 1313, T replaced by C.
Protein change: p.Leu438Ser; replaces leucine 438 with serine.
Molecular consequence: missense variant.
Genome position (GRCh38, 1-based): chr3:122,262,348, T>C. VCF-style: chr3-122262348-T-C. GRCh37 (hg19) VCF-style: chr3-121981195-T-C.
Other names: c.1313T>C, p.Leu438Ser (NM_001178065.2); short protein forms L438S.
Identifiers: ClinVar variation 3231497 (VCV003231497.1), dbSNP rs2473229097, ClinGen allele CA354153068.

ClinVar aggregate classification (germline): Uncertain significance (1 of 4 stars; one submission).

Conditions:
Nephrolithiasis/nephrocalcinosis. Identifiers: MedGen CN580796.

Submission:

Ambry Genetics
Classification: Uncertain significance for Nephrolithiasis/nephrocalcinosis. Last evaluated: 2023-12-14. Review status: criteria provided, single submitter. Criteria: Ambry Variant Classification Scheme 2023. Collection method: clinical testing. Allele origin: germline.
Comment: The p.L438S variant (also known as c.1313T>C), located in coding exon 3 of the CASR gene, results from a T to C substitution at nucleotide position 1313. The leucine at codon 438 is replaced by serine, an amino acid with dissimilar properties. This amino acid position is conserved. In addition, this alteration is predicted to be tolerated by in silico analysis. Since supporting evidence is limited at this time, the clinical significance of this alteration remains unclear.